The following is an entry in ClinVar:

NM_002941.4(ROBO1):c.850G>T (p.Glu284Ter)

Gene: ROBO1 (roundabout guidance receptor 1; minus strand). Cytogenetic location: 3p12.3.
Variant type: single nucleotide variant.
Coding change: c.850G>T on transcript NM_002941.4 (MANE Select); coding-DNA position 850, G replaced by T.
Protein change: p.Glu284Ter; replaces glutamic acid 284 with a stop codon.
Molecular consequence: nonsense.
Genome position (GRCh38, 1-based): chr3:78,717,342, C>A on the plus strand (G>T on the coding strand, the complement: ROBO1 is on the minus strand). VCF-style: chr3-78717342-C-A. GRCh37 (hg19) VCF-style: chr3-78766492-C-A.
Other names: c.733G>T, p.Glu245Ter (NM_001145845.2, NM_133631.4); short protein forms E245*, E284*.
Identifiers: ClinVar variation 1077088 (VCV001077088.1), dbSNP rs2108073043, ClinGen allele CA353664338.

ClinVar aggregate classification (germline): Likely pathogenic (1 of 4 stars; one submission).

Conditions:
Congenital anomaly of kidney and urinary tract. Also called: Congenital anomalies of kidney and urinary tract; Congenital anomalies of the kidney and urinary tract. Identifiers: Orphanet 93545, MedGen C1968949, MeSH C566906, MONDO:0019719.

Submission:

Institute of Human Genetics, University of Leipzig Medical Center
Classification: Likely pathogenic for Congenital anomaly of kidney and urinary tract. Last evaluated: 2021-05-10. Review status: criteria provided, single submitter. Criteria: ACMG Guidelines, 2015. Collection method: clinical testing. Allele origin: paternal. Inheritance: Autosomal recessive inheritance. Affected: yes.
Comment: PVS1_VeryStrong, PM2_Supporting